The following is an entry in ClinVar:

NM_001211.6(BUB1B):c.1387A>T (p.Arg463Ter)

Gene: BUB1B (BUB1 mitotic checkpoint serine/threonine kinase B; plus strand). Cytogenetic location: 15q15.1.
Variant type: single nucleotide variant.
Coding change: c.1387A>T on transcript NM_001211.6 (MANE Select); coding-DNA position 1387, A replaced by T.
Protein change: p.Arg463Ter; replaces arginine 463 with a stop codon.
Molecular consequence: nonsense.
Genome position (GRCh38, 1-based): chr15:40,199,713, A>T. VCF-style: chr15-40199713-A-T. GRCh37 (hg19) VCF-style: chr15-40491914-A-T.
Other names: short protein forms R463*.
Identifiers: ClinVar variation 572796 (VCV000572796.8), dbSNP rs1566824608, ClinGen allele CA391689220.

ClinVar aggregate classification (germline): Pathogenic (1 of 4 stars; one submission).

Conditions:
Mosaic variegated aneuploidy syndrome 1 (MVA1). Also called: Warburton-Anyane-Yeboa syndrome. Identifiers: Orphanet 1052, MedGen C1850343, MONDO:0009759, OMIM 257300.

Submission:

Labcorp Genetics (formerly Invitae), Labcorp
Classification: Pathogenic for Mosaic variegated aneuploidy syndrome 1. Last evaluated: 2018-04-18. Review status: criteria provided, single submitter. Criteria: Invitae Variant Classification Sherloc (09022015). Collection method: clinical testing. Allele origin: germline.
Comment: For these reasons, this variant has been classified as Pathogenic. Loss-of-function variants in BUB1B are known to be pathogenic (PMID: 15475955, 21190457). This variant has not been reported in the literature in individuals with BUB1B-related disease. This variant is not present in population databases (ExAC no frequency). This sequence change creates a premature translational stop signal (p.Arg463*) in the BUB1B gene. It is expected to result in an absent or disrupted protein product.

Literature cited by the submitters: PubMed 15475955; PubMed 21190457.